The following is an entry in ClinVar:

ClinVar aggregate classification (germline): Uncertain significance (1 of 4 stars; one submission).

Allele frequency attached by ClinVar (database versions not stated): gnomAD exomes below 0.00001.
gnomAD v4.1: 1 of 1,614,094 alleles (0.000062%); highest among the groups gnomAD compares: Admixed American, 0.0017%; no homozygotes.

Submission:

GeneDx
Classification: Uncertain significance. Last evaluated: 2019-08-08. Review status: criteria provided, single submitter. Criteria: GeneDx Variant Classification Process June 2021. Collection method: clinical testing. Allele origin: germline. Affected: yes.
Comment: Not observed in large population cohorts (Lek et al., 2016); In silico analysis, which includes protein predictors and evolutionary conservation, supports a deleterious effect; Has not been previously published as pathogenic or benign to our knowledge

NM_198252.3(GSN):c.614C>A (p.Ala205Asp)

Gene: GSN (gelsolin; plus strand). Cytogenetic location: 9q33.2.
Variant type: single nucleotide variant.
Coding change: c.614C>A on transcript NM_198252.3 (MANE Select); coding-DNA position 614, C replaced by A.
Protein change: p.Ala205Asp; replaces alanine 205 with aspartic acid.
Molecular consequence: missense variant. On other transcripts: 5 prime UTR variant (1).
Genome position (GRCh38, 1-based): chr9:121,312,439, C>A. VCF-style: chr9-121312439-C-A. GRCh37 (hg19) VCF-style: chr9-124074717-C-A.
Other names: c.767C>A, p.Ala256Asp (NM_000177.5); c.614C>A, p.Ala205Asp (NM_001127662.2, NM_001127664.2, NM_001127665.2 and 10 more transcripts); c.722C>A, p.Ala241Asp (NM_001127663.2); c.647C>A, p.Ala216Asp (NM_001127666.2, NM_001127667.2, NM_001353063.2 and 13 more transcripts); c.665C>A, p.Ala222Asp (NM_001258029.2); c.638C>A, p.Ala213Asp (NM_001258030.2); c.686C>A, p.Ala229Asp (NM_001353076.2); c.-41C>A (NM_001353078.2); short protein forms A205D, A213D, A216D, A222D, A229D, A241D, A256D.
Identifiers: ClinVar variation 1307492 (VCV001307492.2), dbSNP rs2133481524, ClinGen allele CA374740962.